The following is an entry in ClinVar:

NM_021922.3(FANCE):c.900+4A>T

Gene: FANCE (FA complementation group E; plus strand). Cytogenetic location: 6p21.31.
Variant type: single nucleotide variant.
Coding change: c.900+4A>T on transcript NM_021922.3 (MANE Select); 4 bases into the intron after coding-DNA position 900, A replaced by T.
Molecular consequence: intron variant.
Genome position (GRCh38, 1-based): chr6:35,457,604, A>T. VCF-style: chr6-35457604-A-T. GRCh37 (hg19) VCF-style: chr6-35425381-A-T.
Other names: c.900+4A>T (NM_001410876.1).
Identifiers: ClinVar variation 3676828 (VCV003676828.1).

ClinVar aggregate classification (germline): Uncertain significance (1 of 4 stars; one submission).

Conditions:
Fanconi anemia complementation group E (FANCE). Also called: FANCE-Related Fanconi Anemia. Identifiers: Orphanet 84, MedGen C3160739, MONDO:0010953, OMIM 600901.

gnomAD v4.1: 11 of 1,613,798 alleles (0.00068%); highest among the groups gnomAD compares: Non-Finnish European, 0.00093%; no homozygotes.

Submission:

Labcorp Genetics (formerly Invitae), Labcorp
Classification: Uncertain significance for Fanconi anemia complementation group E. Last evaluated: 2024-08-07. Review status: criteria provided, single submitter. Criteria: Invitae Variant Classification Sherloc (09022015). Collection method: clinical testing. Allele origin: germline.
Comment: This sequence change falls in intron 3 of the FANCE gene. It does not directly change the encoded amino acid sequence of the FANCE protein. It affects a nucleotide within the consensus splice site. This variant is present in population databases (no rsID available, gnomAD 0.0009%). This variant has not been reported in the literature in individuals affected with FANCE-related conditions. Variants that disrupt the consensus splice site are a relatively common cause of aberrant splicing (PMID: 17576681, 9536098). Algorithms developed to predict the effect of sequence changes on RNA splicing suggest that this variant may disrupt the consensus splice site. In summary, the available evidence is currently insufficient to determine the role of this variant in disease. Therefore, it has been classified as a Variant of Uncertain Significance.

Literature cited by the submitters: PubMed 17576681; PubMed 9536098.